The following is an entry in ClinVar:

Conditions:
Long QT syndrome 5 (LQT5). Identifiers: Orphanet 101016, Orphanet 768, MedGen C1867904, MONDO:0013372, OMIM 613695.

Submission:

Roden Lab, Vanderbilt University Medical Center
No classification provided (evidence only). Condition: Long QT syndrome 5. Review status: no classification provided. Collection method: in vitro. Allele origin: not applicable. Functional consequence: Effect on ion channel function.
ClinVar note: "not provided" was previously submitted as the classification for the variant. However, the classification appeared to be based only on an observation of functional data so it was converted to no classification on 2025-07-30.

NM_000219.6(KCNE1):c.264A>C (p.Gln88His)

Gene: KCNE1 (potassium voltage-gated channel subfamily E regulatory subunit 1; minus strand). Cytogenetic location: 21q22.12.
Variant type: single nucleotide variant.
Coding change: c.264A>C on transcript NM_000219.6 (MANE Select); coding-DNA position 264, A replaced by C.
Protein change: p.Gln88His; replaces glutamine 88 with histidine.
Molecular consequence: missense variant.
Genome position (GRCh38, 1-based): chr21:34,449,371, T>G on the plus strand (A>C on the coding strand, the complement: KCNE1 is on the minus strand). VCF-style: chr21-34449371-T-G. GRCh37 (hg19) VCF-style: chr21-35821669-T-G.
Other names: c.264A>C, p.Gln88His (NM_001127668.4, NM_001127669.4, NM_001127670.4 and 4 more transcripts); short protein forms Q88H.
Identifiers: ClinVar variation 3374477 (VCV003374477.2).
Genomic context (GRCh38, chr21:34,449,371, plus strand): 5'-GACATAGCACGACCTGTAGCTCTCCAGGACCCGGGCCTGGACATAGGCCTTGTCCTTCTC[T>G]TGCCAGGCATCGGACTCGATGTAGACGTTGAATGGGTCGTTCGAGTGCTCCAGCTTCTTG-3'
Protein context (NP_000210.2, residues 78-98): FNVYIESDAW[Gln88His]EKDKAYVQAR